The following is an entry in ClinVar:

NM_001282225.2(ADA2):c.984G>C (p.Glu328Asp)

Gene: ADA2 (adenosine deaminase 2; minus strand). Cytogenetic location: 22q11.1.
Variant type: single nucleotide variant.
Coding change: c.984G>C on transcript NM_001282225.2 (MANE Select); coding-DNA position 984, G replaced by C.
Protein change: p.Glu328Asp; replaces glutamic acid 328 with aspartic acid.
Molecular consequence: missense variant.
Genome position (GRCh38, 1-based): chr22:17,188,436, C>G on the plus strand (G>C on the coding strand, the complement: ADA2 is on the minus strand). VCF-style: chr22-17188436-C-G. GRCh37 (hg19) VCF-style: chr22-17669326-C-G.
Other names: c.984G>C, p.Glu328Asp (NM_001282226.2); c.858G>C, p.Glu286Asp (NM_001282227.2, NM_001282228.2); c.624G>C, p.Glu208Asp (NM_001282229.2); c.261G>C, p.Glu87Asp (NM_177405.3); short protein forms E208D, E328D, E87D, E286D.
Identifiers: ClinVar variation 2138412 (VCV002138412.4), dbSNP rs2517294688, ClinGen allele CA410233538.

ClinVar aggregate classification (germline): Pathogenic (1 of 4 stars; one submission).

Conditions:
Deficiency of adenosine deaminase 2. Also called: Polyarteritis nodosa, childhoood-onset; Adenosine Deaminase 2 Deficiency; VASCULITIS, AUTOINFLAMMATION, IMMUNODEFICIENCY, AND HEMATOLOGIC DEFECTS SYNDROME. Identifiers: Orphanet 404553, MedGen C3887654, MONDO:0014306, OMIM 615688, MONDO:0100317.

Submission:

Labcorp Genetics (formerly Invitae), Labcorp
Classification: Pathogenic for Deficiency of adenosine deaminase 2. Last evaluated: 2024-11-05. Review status: criteria provided, single submitter. Criteria: Invitae Variant Classification Sherloc (09022015). Collection method: clinical testing. Allele origin: germline.
Comment: This sequence change replaces glutamic acid, which is acidic and polar, with aspartic acid, which is acidic and polar, at codon 328 of the ADA2 protein (p.Glu328Asp). This variant is not present in population databases (gnomAD no frequency). This missense change has been observed in individual(s) with deficiency of adenosine deaminase 2 (PMID: 28522451, 28665179, 33529688). In at least one individual the data is consistent with being in trans (on the opposite chromosome) from a pathogenic variant. It has also been observed to segregate with disease in related individuals. ClinVar contains an entry for this variant (Variation ID: 2138412). Invitae Evidence Modeling of protein sequence and biophysical properties (such as structural, functional, and spatial information, amino acid conservation, physicochemical variation, residue mobility, and thermodynamic stability) indicates that this missense variant is expected to disrupt ADA2 protein function with a positive predictive value of 95%. For these reasons, this variant has been classified as Pathogenic.

Literature cited by the submitters: PubMed 28522451; PubMed 28665179; PubMed 33529688.